The following is an entry in ClinVar:

NM_173630.4(RTTN):c.3830C>T (p.Pro1277Leu)

Gene: RTTN (rotatin; minus strand). Cytogenetic location: 18q22.2.
Variant type: single nucleotide variant.
Coding change: c.3830C>T on transcript NM_173630.4 (MANE Select); coding-DNA position 3830, C replaced by T.
Protein change: p.Pro1277Leu; replaces proline 1277 with leucine.
Molecular consequence: missense variant.
Genome position (GRCh38, 1-based): chr18:70,109,571, G>A on the plus strand (C>T on the coding strand, the complement: RTTN is on the minus strand). VCF-style: chr18-70109571-G-A. GRCh37 (hg19) VCF-style: chr18-67776807-G-A.
Other names: c.1094C>T, p.Pro365Leu (NM_001318520.2); short protein forms P1277L, P365L.
Identifiers: ClinVar variation 1707137 (VCV001707137.3), dbSNP rs375143157, ClinGen allele CA8995483.
Genomic context (GRCh38, chr18:70,109,571, plus strand): 5'-GACAAGTACTTCACACAGATATCTAGAGGCTTTGTGAGAGGAGAGTGTGAGCTCCATCCC[G>A]GAAACGCAGTGAGGTTAGCCATCCCTCGTAAGGTCCGCTCAAGGGACGGCAGGCCATAGA-3'
Protein context (NP_775901.3, residues 1267-1287): LRGMANLTAF[Pro1277Leu]GWSSHSPLTK

ClinVar aggregate classification (germline): Uncertain significance. Review status: criteria provided, multiple submitters, no conflicts (2 of 4 stars). 2 submissions from 2 submitters: Uncertain significance (2). Last evaluated 2023-09-20.

Allele frequency attached by ClinVar (database versions not stated): ExAC 0.00002; gnomAD exomes 0.00002; gnomAD 0.00005; TOPMed 0.00005; ESP Exome Variant Server 0.00008.
gnomAD v4.1: 37 of 1,613,884 alleles (0.0023%); highest among the groups gnomAD compares: African/African-American, 0.0094%; no homozygotes.

Submissions (2):

Labcorp Genetics (formerly Invitae), Labcorp
Classification: Uncertain significance. Last evaluated: 2023-09-20. Review status: criteria provided, single submitter. Criteria: Invitae Variant Classification Sherloc (09022015). Collection method: clinical testing. Allele origin: germline.
Comment: In summary, the available evidence is currently insufficient to determine the role of this variant in disease. Therefore, it has been classified as a Variant of Uncertain Significance. Advanced modeling of protein sequence and biophysical properties (such as structural, functional, and spatial information, amino acid conservation, physicochemical variation, residue mobility, and thermodynamic stability) performed at Invitae indicates that this missense variant is expected to disrupt RTTN protein function. ClinVar contains an entry for this variant (Variation ID: 1707137). This variant has not been reported in the literature in individuals affected with RTTN-related conditions. This variant is present in population databases (rs375143157, gnomAD 0.008%). This sequence change replaces proline, which is neutral and non-polar, with leucine, which is neutral and non-polar, at codon 1277 of the RTTN protein (p.Pro1277Leu).

GeneDx
Classification: Uncertain significance. Last evaluated: 2022-03-22. Review status: criteria provided, single submitter. Criteria: GeneDx Variant Classification Process June 2021. Collection method: clinical testing. Allele origin: germline. Affected: yes.
Comment: Not observed at significant frequency in large population cohorts (gnomAD); In silico analysis supports that this missense variant has a deleterious effect on protein structure/function; Has not been previously published as pathogenic or benign to our knowledge